The following is an entry in ClinVar:

NM_001365536.1(SCN9A):c.3420A>C (p.Glu1140Asp)

Genes: SCN1A-AS1 (SCN1A and SCN9A antisense RNA 1; plus strand), SCN9A (sodium voltage-gated channel alpha subunit 9; minus strand). Cytogenetic location: 2q24.3.
Variant type: single nucleotide variant.
Coding change: c.3420A>C on transcript NM_001365536.1 (MANE Select); coding-DNA position 3420, A replaced by C.
Protein change: p.Glu1140Asp; replaces glutamic acid 1140 with aspartic acid.
Molecular consequence: missense variant. On other transcripts: non-coding transcript variant (1).
Genome position (GRCh38, 1-based): chr2:166,251,817, T>G on the plus strand (A>C on the coding strand, the complement: SCN9A is on the minus strand). VCF-style: chr2-166251817-T-G. GRCh37 (hg19) VCF-style: chr2-167108327-T-G.
Other names: c.3387A>C, p.Glu1129Asp (NM_002977.4); short protein forms E1129D, E1140D.
Identifiers: ClinVar variation 1304187 (VCV001304187.2), dbSNP rs201049193, ClinGen allele CA349071941.
Genomic context (GRCh38, chr2:166,251,817, plus strand): 5'-TGTCTTACCATCTGTGAAACAGGCCTCTGGCTCATCGGAATTCATAGGTTCAGCCTCTGC[T>G]TCTTCTCCTTCTCCAGGCAAAGGGTTATCAACTGTGCTGCACTCTGAGGAGCTTGACCGG-3'
Protein context (NP_001352465.1, residues 1130-1150): VDNPLPGEGE[Glu1140Asp]AEAEPMNSDE

ClinVar aggregate classification (germline): Uncertain significance (1 of 4 stars; one submission).

Submission:

GeneDx
Classification: Uncertain significance. Last evaluated: 2020-05-27. Review status: criteria provided, single submitter. Criteria: GeneDx Variant Classification Process June 2021. Collection method: clinical testing. Allele origin: germline. Affected: yes.
Comment: Not observed in large population cohorts (Lek et al., 2016); In silico analysis supports that this missense variant does not alter protein structure/function; Has not been previously published as pathogenic or benign to our knowledge